The following is an entry in ClinVar:

NM_000135.4(FANCA):c.2151+4G>C

Gene: FANCA (FA complementation group A; minus strand). Cytogenetic location: 16q24.3.
Variant type: single nucleotide variant.
Coding change: c.2151+4G>C on transcript NM_000135.4 (MANE Select); 4 bases into the intron after coding-DNA position 2151, G replaced by C.
Molecular consequence: intron variant.
Genome position (GRCh38, 1-based): chr16:89,771,674, C>G on the plus strand (G>C on the coding strand, the complement: FANCA is on the minus strand). VCF-style: chr16-89771674-C-G. GRCh37 (hg19) VCF-style: chr16-89838082-C-G.
Other names: c.2151+4G>C (NM_001286167.3).
Identifiers: ClinVar variation 3023614 (VCV003023614.3), dbSNP rs1598113342, ClinGen allele CA2740095176.

ClinVar aggregate classification (germline): Uncertain significance (1 of 4 stars; one submission).

Conditions:
Fanconi anemia (FA). Also called: Fanconi's anemia. Identifiers: Orphanet 84, MedGen C0015625, MeSH D005199, MONDO:0019391.

Submission:

Labcorp Genetics (formerly Invitae), Labcorp
Classification: Uncertain significance for Fanconi anemia. Last evaluated: 2023-09-01. Review status: criteria provided, single submitter. Criteria: Invitae Variant Classification Sherloc (09022015). Collection method: clinical testing. Allele origin: germline.
Comment: In summary, the available evidence is currently insufficient to determine the role of this variant in disease. Therefore, it has been classified as a Variant of Uncertain Significance. Variants that disrupt the consensus splice site are a relatively common cause of aberrant splicing (PMID: 17576681, 9536098). Algorithms developed to predict the effect of sequence changes on RNA splicing suggest that this variant is not likely to affect RNA splicing. This sequence change falls in intron 23 of the FANCA gene. It does not directly change the encoded amino acid sequence of the FANCA protein. It affects a nucleotide within the consensus splice site. This variant is not present in population databases (gnomAD no frequency). This variant has not been reported in the literature in individuals affected with FANCA-related conditions.

Literature cited by the submitters: PubMed 17576681; PubMed 9536098.